The following is an entry in ClinVar:

NM_001430.5(EPAS1):c.983A>G (p.Asn328Ser)

Gene: EPAS1 (endothelial PAS domain protein 1; plus strand). Cytogenetic location: 2p21.
Variant type: single nucleotide variant.
Coding change: c.983A>G on transcript NM_001430.5 (MANE Select); coding-DNA position 983, A replaced by G.
Protein change: p.Asn328Ser; replaces asparagine 328 with serine.
Molecular consequence: missense variant.
Genome position (GRCh38, 1-based): chr2:46,375,786, A>G. VCF-style: chr2-46375786-A-G. GRCh37 (hg19) VCF-style: chr2-46602925-A-G.
Other names: short protein forms N328S.
Identifiers: ClinVar variation 1768355 (VCV001768355.2), dbSNP rs756916057, ClinGen allele CA1644835.

ClinVar aggregate classification (germline): Uncertain significance. Review status: criteria provided, single submitter (1 of 4 stars). 2 submissions from 2 submitters: Uncertain significance (1). 1 of the submissions does not count toward it. Last evaluated 2021-10-07.

Conditions:
Erythrocytosis, familial, 4 (ECYT4). Identifiers: Orphanet 247511, MedGen C2673187, MONDO:0012729, OMIM 611783.
Inborn genetic diseases. Identifiers: MedGen C0950123, MeSH D030342.

Allele frequency attached by ClinVar (database versions not stated): ExAC 0.00002; TOPMed below 0.00001.
gnomAD v4.1: 13 of 1,614,132 alleles (0.00081%); highest among the groups gnomAD compares: South Asian, 0.011%; no homozygotes.

Submissions (2):

Ambry Genetics
Classification: Uncertain significance for Inborn genetic diseases. Last evaluated: 2021-10-07. Review status: criteria provided, single submitter. Criteria: Ambry Variant Classification Scheme 2023. Collection method: clinical testing. Allele origin: germline.
Comment: The p.N328S variant (also known as c.983A>G), located in coding exon 8 of the EPAS1 gene, results from an A to G substitution at nucleotide position 983. The asparagine at codon 328 is replaced by serine, an amino acid with highly similar properties. This amino acid position is conserved. In addition, this alteration is predicted to be tolerated by in silico analysis. Since supporting evidence is limited at this time, the clinical significance of this alteration remains unclear.

Centre for Medical Genetics,  Mumbai
Classification: Likely pathogenic for Erythrocytosis, familial, 4. Last evaluated: 2026-03-31. Review status: flagged submission. Criteria: ACMG Guidelines, 2015. Collection method: provider interpretation. Allele origin: germline. Inheritance: Autosomal dominant inheritance. Affected: yes. Observed: 1 variant allele, 1 heterozygote. Not counted in ClinVar's aggregate classification.
Comment: The variant satisfies PM2 criteria; extremely low frequency in gnomAD population databases. Allele frequency is extremely low in all databases. Not enough evidence in gene for gene specific threshold, therefore default 1.0% is applied. Recommended PM2 frequency threshold for gene: 1.0%.
ClinVar note: Notes: Observation in a single patient is insufficient to classify as LP. Also, 1% AF is too high to ever apply PM2.
ClinVar note: Reason: Claim with insufficient supporting evidence

Literature cited by the submitters: PubMed 18184961 (cited by Centre for Medical Genetics,  Mumbai).